The following is an entry in ClinVar:

NM_015338.6(ASXL1):c.1450G>A (p.Glu484Lys)

Gene: ASXL1 (ASXL transcriptional regulator 1; plus strand). Cytogenetic location: 20q11.21.
Variant type: single nucleotide variant.
Coding change: c.1450G>A on transcript NM_015338.6 (MANE Select); coding-DNA position 1450, G replaced by A.
Protein change: p.Glu484Lys; replaces glutamic acid 484 with lysine.
Molecular consequence: missense variant.
Genome position (GRCh38, 1-based): chr20:32,433,648, G>A. VCF-style: chr20-32433648-G-A. GRCh37 (hg19) VCF-style: chr20-31021451-G-A.
Other names: c.1267G>A, p.Glu423Lys (NM_001363734.1); short protein forms E423K, E484K.
Identifiers: ClinVar variation 5029785 (VCV005029785.1).

ClinVar aggregate classification (germline): Uncertain significance (1 of 4 stars; one submission).

Conditions:
Inborn genetic diseases. Identifiers: MedGen C0950123, MeSH D030342.

Submission:

Ambry Genetics
Classification: Uncertain significance for Inborn genetic diseases. Last evaluated: 2026-06-28. Review status: criteria provided, single submitter. Criteria: Ambry Variant Classification Scheme 2023. Collection method: clinical testing. Allele origin: germline.
Comment: The p.E484K variant (also known as c.1450G>A), located in coding exon 12 of the ASXL1 gene, results from a G to A substitution at nucleotide position 1450. The glutamic acid at codon 484 is replaced by lysine, an amino acid with similar properties. This amino acid position is conserved. In addition, this alteration is predicted to be tolerated by in silico analysis. Based on the available evidence, the clinical significance of this variant remains unclear.